The following is an entry in ClinVar:

NM_001291815.2(HMCN2):c.1044G>C (p.Thr348=)

Gene: HMCN2 (hemicentin 2; plus strand). Cytogenetic location: 9q34.11.
Variant type: single nucleotide variant.
Coding change: c.1044G>C on transcript NM_001291815.2 (MANE Select); coding-DNA position 1044, G replaced by C.
Protein change: p.Thr348=; no amino-acid change (threonine 348 retained).
Molecular consequence: synonymous variant.
Genome position (GRCh38, 1-based): chr9:130,299,056, G>C. VCF-style: chr9-130299056-G-C. GRCh37 (hg19) VCF-style: chr9-133061335-G-C.
Identifiers: ClinVar variation 4534894 (VCV004534894.6).

ClinVar aggregate classification (germline): Likely benign (1 of 4 stars; one submission).

gnomAD v4.1: 1 of 470,674 alleles (0.00021%); highest among the groups gnomAD compares: South Asian, 0.0015%; no homozygotes.

Submission:

CeGaT Center for Human Genetics Tuebingen
Classification: Likely benign. Last evaluated: 2025-10-01. Review status: criteria provided, single submitter. Criteria: CeGaT Center For Human Genetics Tuebingen Variant Classification Criteria Version 2. Collection method: clinical testing. Allele origin: germline. Affected: yes. Observed: 1 variant allele.
Comment: HMCN2: BP4, BP7